The following is an entry in ClinVar:

NM_001244008.2(KIF1A):c.972G>C (p.Arg324Ser)

Gene: KIF1A (kinesin family member 1A; minus strand). Cytogenetic location: 2q37.3.
Variant type: single nucleotide variant.
Coding change: c.972G>C on transcript NM_001244008.2 (MANE Select); coding-DNA position 972, G replaced by C.
Protein change: p.Arg324Ser; replaces arginine 324 with serine.
Molecular consequence: missense variant.
Genome position (GRCh38, 1-based): chr2:240,774,248, C>G on the plus strand (G>C on the coding strand, the complement: KIF1A is on the minus strand). VCF-style: chr2-240774248-C-G. GRCh37 (hg19) VCF-style: chr2-241713665-C-G.
Other names: c.972G>C, p.Arg324Ser (NM_001320705.2, NM_001330289.2, NM_001330290.2 and 21 more transcripts); short protein forms R324S.
Identifiers: ClinVar variation 1997058 (VCV001997058.4), dbSNP rs2537957873, ClinGen allele CA351296964.

ClinVar aggregate classification (germline): Uncertain significance (1 of 4 stars; one submission).

Conditions:
Hereditary spastic paraplegia 30. Identifiers: Orphanet 101010, MedGen C5235139, MONDO:0012476.
Neuropathy, hereditary sensory, type 2C. Also called: Hereditary sensory and autonomic neuropathy type IIC; KIF1A-Related HSAN2 (HSAN2C). Identifiers: Orphanet 970, MedGen C3280168, MONDO:0013634, OMIM 614213.
Intellectual disability, autosomal dominant 9 (NESCAVS). Also called: NESCAV SYNDROME; KIF1A-Related Neurodevelopmental Disorder. Identifiers: Orphanet 662367, MedGen C5393830, MONDO:0013656, OMIM 614255.

Submission:

Labcorp Genetics (formerly Invitae), Labcorp
Classification: Uncertain significance for Hereditary spastic paraplegia 30; Neuropathy, hereditary sensory, type 2C; Intellectual disability, autosomal dominant 9. Last evaluated: 2022-05-20. Review status: criteria provided, single submitter. Criteria: Invitae Variant Classification Sherloc (09022015). Collection method: clinical testing. Allele origin: germline.
Comment: Advanced modeling of protein sequence and biophysical properties (such as structural, functional, and spatial information, amino acid conservation, physicochemical variation, residue mobility, and thermodynamic stability) performed at Invitae indicates that this missense variant is expected to disrupt KIF1A protein function. This variant has not been reported in the literature in individuals affected with KIF1A-related conditions. This variant is not present in population databases (gnomAD no frequency). This sequence change replaces arginine, which is basic and polar, with serine, which is neutral and polar, at codon 324 of the KIF1A protein (p.Arg324Ser). In summary, the available evidence is currently insufficient to determine the role of this variant in disease. Therefore, it has been classified as a Variant of Uncertain Significance.